The following is an entry in ClinVar:

ClinVar aggregate classification (germline): Uncertain significance. Review status: criteria provided, multiple submitters, no conflicts (2 of 4 stars). 2 submissions from 2 submitters: Uncertain significance (2). Last evaluated 2023-12-20.

Conditions:
Loeys-Dietz syndrome 2 (LDS2). Also called: TGFBR2-Related Loeys-Dietz Syndrome; AORTIC ANEURYSM, FAMILIAL THORACIC 3; MARFAN SYNDROME, TYPE II; Marfan Syndrome type 2; Marfan like connective tissue disorder; MFS 2. Identifiers: Orphanet 284973, Orphanet 558, MedGen C2674574, MONDO:0012427, OMIM 610168.

Submissions (2):

Labcorp Genetics (formerly Invitae), Labcorp
Classification: Uncertain significance for Loeys-Dietz syndrome 2. Last evaluated: 2023-12-20. Review status: criteria provided, single submitter. Criteria: Invitae Variant Classification Sherloc (09022015). Collection method: clinical testing. Allele origin: germline.
Comment: This variant, c.2042_2044del, results in the deletion of 1 amino acid(s) of the TMPO protein (p.Gly681del), but otherwise preserves the integrity of the reading frame. This variant is present in population databases (rs753373682, gnomAD 0.01%). This variant has not been reported in the literature in individuals affected with TMPO-related conditions. ClinVar contains an entry for this variant (Variation ID: 165472). Experimental studies and prediction algorithms are not available or were not evaluated, and the functional significance of this variant is currently unknown. In summary, the available evidence is currently insufficient to determine the role of this variant in disease. Therefore, it has been classified as a Variant of Uncertain Significance.

Laboratory for Molecular Medicine, Mass General Brigham Personalized Medicine
Classification: Uncertain significance. Last evaluated: 2014-12-16. Review status: criteria provided, single submitter. Criteria: LMM Criteria. Collection method: clinical testing. Allele origin: germline. Observed: 1 variant allele.
Comment: The p.Gly681del variant in TMPO has not been previously reported in any other fa milies with cardiomyopathy. Data from large population studies is insufficient t o assess the frequency of this variant. This variant is a deletion of a single a mino acid at position 681 and is not predicted to alter the protein reading-fram e. It is unclear if this deletion will impact the protein. In summary, the clini cal significance of the p.Gly681del variant is uncertain.

NM_001032283.3(TMPO):c.565+2461_565+2463del

Gene: TMPO (thymopoietin; plus strand). Cytogenetic location: 12q23.1.
Variant type: Microsatellite.
Coding change: c.565+2461_565+2463del on transcript NM_001032283.3 (MANE Select); bases 2461 to 2463 of the intron after coding-DNA position 565, 3 bases deleted (GAG; older notation c.565+2461_565+2463delGAG).
Molecular consequence: intron variant. On other transcripts: inframe deletion (2).
Genome position (GRCh38, 1-based): chr12:98,534,299-98,534,301, GAG deleted; deleting any 3 consecutive bases within chr12:98,534,295-98,534,301 gives the same sequence; the c. name uses the placement nearest the transcript's 3' end. VCF-style (leftmost placement, unchanged base first): chr12-98534294-TGGA-T. GRCh37 (hg19) VCF-style: chr12-98928072-TGGA-T.
Other names: c.2042_2044delGAG (NM_003276.2); c.2039GAG[1], p.Gly681del (NM_003276.2); c.565+2461_565+2463del (NM_001307975.2, NM_001032284.3); short protein forms G681del.
Identifiers: ClinVar variation 165472 (VCV000165472.8), dbSNP rs727503491, ClinGen allele CA178240.